The following is an entry in ClinVar:

NM_173076.3(ABCA12):c.4579G>T (p.Ala1527Ser)

Gene: ABCA12 (ATP binding cassette subfamily A member 12; minus strand). Cytogenetic location: 2q35.
Variant type: single nucleotide variant.
Coding change: c.4579G>T on transcript NM_173076.3 (MANE Select); coding-DNA position 4579, G replaced by T.
Protein change: p.Ala1527Ser; replaces alanine 1527 with serine.
Molecular consequence: missense variant. On other transcripts: non-coding transcript variant (1).
Genome position (GRCh38, 1-based): chr2:214,982,187, C>A on the plus strand (G>T on the coding strand, the complement: ABCA12 is on the minus strand). VCF-style: chr2-214982187-C-A. GRCh37 (hg19) VCF-style: chr2-215846911-C-A.
Other names: c.3625G>T, p.Ala1209Ser (NM_015657.4); short protein forms A1527S, A1209S.
Identifiers: ClinVar variation 1997978 (VCV001997978.4), dbSNP rs2469233687, ClinGen allele CA350461527.

ClinVar aggregate classification (germline): Likely pathogenic (1 of 4 stars; one submission).

Submission:

Labcorp Genetics (formerly Invitae), Labcorp
Classification: Likely pathogenic. Last evaluated: 2024-08-13. Review status: criteria provided, single submitter. Criteria: Invitae Variant Classification Sherloc (09022015). Collection method: clinical testing. Allele origin: germline.
Comment: This sequence change replaces alanine, which is neutral and non-polar, with serine, which is neutral and polar, at codon 1527 of the ABCA12 protein (p.Ala1527Ser). This variant also falls at the last nucleotide of exon 30, which is part of the consensus splice site for this exon. This variant is not present in population databases (gnomAD no frequency). This missense change has been observed in individual(s) with congenital ichthyosis (Invitae). In at least one individual the data is consistent with being in trans (on the opposite chromosome) from a pathogenic variant. ClinVar contains an entry for this variant (Variation ID: 1997978). An algorithm developed to predict the effect of missense changes on protein structure and function (PolyPhen-2) suggests that this variant is likely to be tolerated. Variants that disrupt the consensus splice site are a relatively common cause of aberrant splicing (PMID: 17576681, 9536098). Algorithms developed to predict the effect of sequence changes on RNA splicing suggest that this variant may disrupt the consensus splice site. In summary, the currently available evidence indicates that the variant is pathogenic, but additional data are needed to prove that conclusively. Therefore, this variant has been classified as Likely Pathogenic.

Literature cited by the submitters: PubMed 17576681; PubMed 9536098.